The following is an entry in ClinVar:

ClinVar aggregate classification (germline): Uncertain significance (1 of 4 stars; one submission).

Conditions:
Pseudo-TORCH syndrome 2 (PTORCH2). Also called: USP18 deficiency. Identifiers: Orphanet 481665, MedGen C4479376, MONDO:0018828, OMIM 617397.

gnomAD v4.1: 8 of 1,613,926 alleles (0.0005%); highest among the groups gnomAD compares: African/African-American, 0.0013%; no homozygotes.

Submission:

Neurogenetics Team, Indira Gandhi Institute of Child Health
Classification: Uncertain significance for Pseudo-TORCH syndrome 2. Last evaluated: 2025-02-13. Review status: criteria provided, single submitter. Criteria: ACMG Guidelines, 2015. Collection method: clinical testing. Allele origin: biparental. Inheritance: Autosomal recessive inheritance. Affected: yes. Observed: 1 homozygote.
Comment: The identified variant has been reported in the dbSNP database with identification number rs756647369 and in the Genome Aggregation Database (gnomAD), as a rare variant (with an allelic frequency: <0.001%). No homozygotes are reported in population databases to date. The observed homozygous missense substitution (p.Pro120Ser) lies in exon 4 of the USP18 gene and alters a highly conserved residue in the protein. It lies in the USP domain (residues 55-370) of the protein [UniProt]. The variant is predicted to be damaging by multiple insilico tools. No functional data is reported for this variant. For the above reasons, the variant is classified as variant of uncertain significance.

NM_017414.4(USP18):c.358C>T (p.Pro120Ser)

Gene: USP18 (ubiquitin specific peptidase 18; plus strand). Cytogenetic location: 22q11.21.
Variant type: single nucleotide variant.
Coding change: c.358C>T on transcript NM_017414.4 (MANE Select); coding-DNA position 358, C replaced by T.
Protein change: p.Pro120Ser; replaces proline 120 with serine.
Molecular consequence: missense variant.
Genome position (GRCh38, 1-based): chr22:18,161,893, C>T. VCF-style: chr22-18161893-C-T. GRCh37 (hg19) VCF-style: chr22-18644660-C-T.
Other names: short protein forms P120S.
Identifiers: ClinVar variation 3767287 (VCV003767287.2).
Genomic context (GRCh38, chr22:18,161,893, plus strand): 5'-CCTTTCCAGATGCTTCTGCTGCTGGAGAAGATGCAGGACAGCCGGCAGAAAGCAGTGCGG[C>T]CCCTGGAGCTGGCCTACTGCCTGCAGAAGTGCAACGTGCCCTGTAAGATACCCTCCCACT-3'
Protein context (NP_059110.2, residues 110-130): MQDSRQKAVR[Pro120Ser]LELAYCLQKC